The following is an entry in ClinVar:

ClinVar aggregate classification (germline): Likely benign. Review status: criteria provided, multiple submitters, no conflicts (2 of 4 stars). 2 submissions from 2 submitters: Likely benign (2). Last evaluated 2022-05-15.

Conditions:
Shprintzen-Goldberg syndrome (SGS). Also called: SHPRINTZEN-GOLDBERG CRANIOSYNOSTOSIS SYNDROME; CRANIOSYNOSTOSIS WITH ARACHNODACTYLY AND ABDOMINAL HERNIAS; Marfanoid disorder with craniosynostosis type 1; Marfanoid craniosynostosis syndrome; Shprintzen-Goldberg marfanoid syndrome. Identifiers: Orphanet 2462, MedGen C1321551, MONDO:0008426, OMIM 182212.

Allele frequency attached by ClinVar (database versions not stated): gnomAD 0.00001.
gnomAD v4.1: 1 of 1,613,610 alleles (0.000062%); highest among the groups gnomAD compares: African/African-American, 0.0013%; no homozygotes.

Submissions (2):

Labcorp Genetics (formerly Invitae), Labcorp
Classification: Likely benign for Shprintzen-Goldberg syndrome. Last evaluated: 2022-05-15. Review status: criteria provided, single submitter. Criteria: Invitae Variant Classification Sherloc (09022015). Collection method: clinical testing. Allele origin: germline.

GeneDx
Classification: Likely benign. Last evaluated: 2017-01-17. Review status: criteria provided, single submitter. Criteria: GeneDx Variant Classification (06012015). Collection method: clinical testing. Allele origin: germline. Affected: yes.
Comment: This variant is considered likely benign or benign based on one or more of the following criteria: it is a conservative change, it occurs at a poorly conserved position in the protein, it is predicted to be benign by multiple in silico algorithms, and/or has population frequency not consistent with disease.

NM_003036.4(SKI):c.1005A>G (p.Lys335=)

Gene: SKI (SKI proto-oncogene; plus strand). Cytogenetic location: 1p36.32.
Variant type: single nucleotide variant.
Coding change: c.1005A>G on transcript NM_003036.4 (MANE Select); coding-DNA position 1005, A replaced by G.
Protein change: p.Lys335=; no amino-acid change (lysine 335 retained).
Molecular consequence: synonymous variant.
Genome position (GRCh38, 1-based): chr1:2,303,013, A>G. VCF-style: chr1-2303013-A-G. GRCh37 (hg19) VCF-style: chr1-2234452-A-G.
Identifiers: ClinVar variation 392801 (VCV000392801.5), dbSNP rs1057524639, ClinGen allele CA16603592.